The following is an entry in ClinVar:

NM_006073.4(TRDN):c.164C>T (p.Ala55Val)

Gene: TRDN (triadin; minus strand). Cytogenetic location: 6q22.31.
Variant type: single nucleotide variant.
Coding change: c.164C>T on transcript NM_006073.4 (MANE Select); coding-DNA position 164, C replaced by T.
Protein change: p.Ala55Val; replaces alanine 55 with valine.
Molecular consequence: missense variant.
Genome position (GRCh38, 1-based): chr6:123,570,991, G>A on the plus strand (C>T on the coding strand, the complement: TRDN is on the minus strand). VCF-style: chr6-123570991-G-A. GRCh37 (hg19) VCF-style: chr6-123892136-G-A.
Other names: c.164C>T, p.Ala55Val (NM_001251987.2, NM_001256020.2, NM_001256021.2 and 1 more transcripts); short protein forms A55V.
Identifiers: ClinVar variation 1483656 (VCV001483656.7), dbSNP rs1333255264, ClinGen allele CA365569156.

ClinVar aggregate classification (germline): Uncertain significance (1 of 4 stars; one submission).

Conditions:
Catecholaminergic polymorphic ventricular tachycardia 1. Also called: VENTRICULAR TACHYCARDIA, CATECHOLAMINERGIC POLYMORPHIC, 1, WITH OR WITHOUT ATRIAL DYSFUNCTION AND/OR DILATED CARDIOMYOPATHY; VENTRICULAR TACHYCARDIA, STRESS-INDUCED POLYMORPHIC 1; RYR2-Related Catecholaminergic Polymorphic Ventricular Tachycardia. Identifiers: Orphanet 3286, MedGen C1631597, MONDO:0011484, OMIM 604772.

Allele frequency attached by ClinVar (database versions not stated): gnomAD exomes below 0.00001.
gnomAD v4.1: 1 of 1,613,954 alleles (0.000062%); no homozygotes.

Submission:

Labcorp Genetics (formerly Invitae), Labcorp
Classification: Uncertain significance for Catecholaminergic polymorphic ventricular tachycardia 1. Last evaluated: 2022-01-20. Review status: criteria provided, single submitter. Criteria: Invitae Variant Classification Sherloc (09022015). Collection method: clinical testing. Allele origin: germline.
Comment: In summary, the available evidence is currently insufficient to determine the role of this variant in disease. Therefore, it has been classified as a Variant of Uncertain Significance. Algorithms developed to predict the effect of missense changes on protein structure and function are either unavailable or do not agree on the potential impact of this missense change (SIFT: "Deleterious"; PolyPhen-2: "Possibly Damaging"; Align-GVGD: "Class C0"). This variant has not been reported in the literature in individuals affected with TRDN-related conditions. This variant is present in population databases (no rsID available, gnomAD no frequency). This sequence change replaces alanine, which is neutral and non-polar, with valine, which is neutral and non-polar, at codon 55 of the TRDN protein (p.Ala55Val).